The following is an entry in ClinVar:

ClinVar aggregate classification (germline): Pathogenic/Likely pathogenic. Review status: criteria provided, multiple submitters, no conflicts (2 of 4 stars). 7 submissions from 7 submitters: Pathogenic (3); Likely pathogenic (1). 3 of the submissions do not count toward it. Last evaluated 2026-07-09.

Conditions:
Developmental delay. Also called: Delayed development. Identifiers: MedGen C0424605.
Nicolaides-Baraitser syndrome (NCBRS). Also called: SMARCA2-Related Nicolaides-Baraitser Syndrome; Intellectual disability-sparse hair-brachydactyly syndrome. Identifiers: Orphanet 3051, MedGen C1303073, MONDO:0011053, OMIM 601358.
Intellectual disability. Also called: Intellectual developmental disorder; intellectual disabilities; Intellectual functioning disability. Identifiers: MedGen C3714756, MeSH D008607, MONDO:0001071, HP:0001249.
Hirsutism. Identifiers: MedGen C0019572, HP:0001007.

Submissions (8):

Clinical Genetics Laboratory, Skane University Hospital Lund
Classification: Likely pathogenic for Developmental delay. Last evaluated: 2026-07-09. Review status: criteria provided, single submitter. Criteria: ACMG Guidelines, 2015. Collection method: clinical testing. Allele origin: germline. Inheritance: Autosomal dominant inheritance. Affected: yes.
Comment: ACMG-criteria: PS3_Supporting, PS4, PM2, PP2 and PP3.

3billion
Classification: Pathogenic for Nicolaides-Baraitser syndrome. Last evaluated: 2025-09-11. Review status: criteria provided, single submitter. Criteria: ACMG Guidelines, 2015. Collection method: clinical testing. Allele origin: germline. Affected: yes.
Comment: The variant is not observed in the gnomAD v4.1.0 dataset. Predicted Consequence/Location: Missense variant. Missense changes are a common disease-causing mechanism. In silico tool predictions suggest damaging effect of the variant on gene or gene product [REVEL: 0.79 (>=0.6, sensitivity 0.68 and specificity 0.92); 3Cnet: 0.94 (> 0.75, sensitivity 0.96 and precision 0.92)]. The same nucleotide change resulting in the same amino acid change has been previously reported as pathogenic/likely pathogenic with strong evidence (ClinVar ID: VCV000030017 /PMID: 22366787). The variant has been previously reported as de novo in a similarly affected individual (PMID: 22366787). The variant has been observed in at least two similarly affected unrelated individuals (PMID: 22366787). A different missense change at the same codon (p.Ala1201Glu) has been reported as pathogenic/likely pathogenic with strong evidence (ClinVar ID: VCV001206691). Therefore, this variant is classified as Pathogenic according to the recommendation of ACMG/AMP guideline.

GeneDx
Classification: Pathogenic. Last evaluated: 2025-06-25. Review status: criteria provided, single submitter. Criteria: GeneDx Variant Classification Process June 2021. Collection method: clinical testing. Allele origin: germline. Affected: yes.
Comment: RNA studies demonstrate a damaging effect: abnormal splicing with exon 25 deleted (PMID: 38113761); Not observed at significant frequency in large population cohorts (gnomAD); In silico analysis supports that this missense variant has a deleterious effect on protein structure/function; This variant is associated with the following publications: (PMID: 22366787, 25169058, 24090879, 30459321, 35811451, 35982159, 35904121, 33057194, 38113761)

Diagnostic Laboratory, Strasbourg University Hospital
Classification: Pathogenic for Intellectual disability. Last evaluated: 2020-09-10. Review status: criteria provided, single submitter. Criteria: ACMG Guidelines, 2015. Collection method: clinical testing. Allele origin: de novo. Affected: yes. Observed: 1 heterozygote.

Autoinflammatory diseases unit, CHU de Montpellier
Classification: Likely pathogenic for Hirsutism; intellectual disability. Last evaluated: 2019-09-26. Review status: no assertion criteria provided. Collection method: clinical testing. Allele origin: de novo. Affected: yes. Not counted in ClinVar's aggregate classification.

OMIM
Classification: Pathogenic for NICOLAIDES-BARAITSER SYNDROME. Last evaluated: 2012-02-26. Review status: no assertion criteria provided. Collection method: literature only. Allele origin: germline. Not counted in ClinVar's aggregate classification.

Dr. Peter K. Rogan Lab, Western University
No classification provided (evidence only). Condition: Nonpapillary renal cell carcinoma. Review status: no classification provided. Collection method: in vitro. Allele origin: not applicable. Functional consequence: skipped exon. Not counted in ClinVar's aggregate classification.

UniProtKB/Swiss-Prot
No classification provided. Review status: no classification provided. Collection method: not provided. Allele origin: not provided. Not counted in ClinVar's aggregate classification.

Literature cited by the submitters: PubMed 22366787 (cited by 3billion and OMIM).

NM_003070.5(SMARCA2):c.3602C>T (p.Ala1201Val)

Gene: SMARCA2 (SWI/SNF related BAF chromatin remodeling complex subunit ATPase 2; plus strand). Cytogenetic location: 9p24.3.
Variant type: single nucleotide variant.
Coding change: c.3602C>T on transcript NM_003070.5 (MANE Select); coding-DNA position 3602, C replaced by T.
Protein change: p.Ala1201Val; replaces alanine 1201 with valine.
Molecular consequence: missense variant.
Genome position (GRCh38, 1-based): chr9:2,115,967, C>T. VCF-style: chr9-2115967-C-T. GRCh37 (hg19) VCF-style: chr9-2115967-C-T.
Other names: NC_000009.11:g.2115967C>T; c.3602C>T, p.Ala1201Val (NM_001289396.2, NM_139045.4); c.3428C>T, p.Ala1143Val (NM_001289397.2); short protein forms A1201V, A1143V.
Identifiers: ClinVar variation 30017 (VCV000030017.13), dbSNP rs281875189, ClinGen allele CA211277.
Genomic context (GRCh38, chr9:2,115,967, plus strand): 5'-AGGAAAAGATCCTCGCGGCCGCAAAATACAAGCTGAACGTGGATCAGAAAGTGATCCAGG[C>T]GGGCATGTTTGACCAAAAGTCTTCAAGCCACGAGCGGAGGGCATTCCTGCAGGCCATCTT-3'
Protein context (NP_003061.3, residues 1191-1211): KLNVDQKVIQ[Ala1201Val]GMFDQKSSSH